The following is an entry in ClinVar:

NM_016599.5(MYOZ2):c.119G>A (p.Arg40Lys)

Gene: MYOZ2 (myozenin 2; plus strand). Cytogenetic location: 4q26.
Variant type: single nucleotide variant.
Coding change: c.119G>A on transcript NM_016599.5 (MANE Select); coding-DNA position 119, G replaced by A.
Protein change: p.Arg40Lys; replaces arginine 40 with lysine.
Molecular consequence: missense variant.
Genome position (GRCh38, 1-based): chr4:119,150,914, G>A. VCF-style: chr4-119150914-G-A. GRCh37 (hg19) VCF-style: chr4-120072069-G-A.
Other names: short protein forms R40K.
Identifiers: ClinVar variation 1746896 (VCV001746896.2), dbSNP rs1453257683, ClinGen allele CA358203472.

ClinVar aggregate classification (germline): Uncertain significance (1 of 4 stars; one submission).

Conditions:
Cardiovascular phenotype. Identifiers: MedGen CN230736.

Allele frequency attached by ClinVar (database versions not stated): gnomAD exomes below 0.00001.
gnomAD v4.1: 1 of 1,613,934 alleles (0.000062%); highest among the groups gnomAD compares: African/African-American, 0.0013%; no homozygotes.

Submission:

Ambry Genetics
Classification: Uncertain significance for Cardiovascular phenotype. Last evaluated: 2021-11-22. Review status: criteria provided, single submitter. Criteria: Ambry Variant Classification Scheme 2023. Collection method: clinical testing. Allele origin: germline.
Comment: The p.R40K variant (also known as c.119G>A), located in coding exon 2 of the MYOZ2 gene, results from a G to A substitution at nucleotide position 119. The arginine at codon 40 is replaced by lysine, an amino acid with highly similar properties. This amino acid position is conserved. In addition, this alteration is predicted to be tolerated by in silico analysis. Since supporting evidence is limited at this time, the clinical significance of this alteration remains unclear.